The following is an entry in ClinVar:

ClinVar aggregate classification (germline): Pathogenic (1 of 4 stars; one submission).

Conditions:
Waardenburg syndrome type 4C (WS4C). Also called: WAARDENBURG SYNDROME WITH HIRSCHSPRUNG DISEASE, TYPE 4C. Identifiers: Orphanet 897, MedGen C2750452, MONDO:0013202, OMIM 613266.

Submission:

Institute of Rare Diseases, West China Hospital, Sichuan University
Classification: Pathogenic for Waardenburg syndrome type 4C. Last evaluated: 2025-01-09. Review status: criteria provided, single submitter. Criteria: ClinGen HL ACMG Specifications v1. Collection method: research. Allele origin: germline. Affected: yes.
Comment: PM1;PVS1;PM2_Supporting

NM_006941.4(SOX10):c.718del (p.Thr240fs)

Genes: POLR2F (RNA polymerase II, I and III subunit F; plus strand), SOX10 (SRY-box transcription factor 10; minus strand). Cytogenetic location: 22q13.1.
Variant type: Deletion.
Coding change: c.718del on transcript NM_006941.4 (MANE Select); coding-DNA position 718, one base deleted (A; older notation c.718delA).
Protein change: p.Thr240fs; shifts the reading frame from threonine 240.
Molecular consequence: frameshift variant. On other transcripts: intron variant (3).
Genome position (GRCh38, 1-based): chr22:37,974,178, T deleted on the plus strand (A on the coding strand, the reverse complement: SOX10 is on the minus strand). VCF-style (leftmost placement, unchanged base first): chr22-37974177-GT-G. GRCh37 (hg19) VCF-style: chr22-38370184-GT-G.
Other names: c.*38+1868del (NM_001363825.1); c.293+7008del (NM_001301130.2, NM_001301131.2); short protein forms T240fs.
Identifiers: ClinVar variation 3601852 (VCV003601852.1).